The following is an entry in ClinVar:

NM_020822.3(KCNT1):c.3156+3T>C

Gene: KCNT1 (potassium sodium-activated channel subfamily T member 1; plus strand). Cytogenetic location: 9q34.3.
Variant type: single nucleotide variant.
Coding change: c.3156+3T>C on transcript NM_020822.3 (MANE Select); 3 bases into the intron after coding-DNA position 3156, T replaced by C.
Molecular consequence: intron variant.
Genome position (GRCh38, 1-based): chr9:135,784,892, T>C. VCF-style: chr9-135784892-T-C. GRCh37 (hg19) VCF-style: chr9-138676738-T-C.
Other names: c.3021+3T>C (NM_001272003.2).
Identifiers: ClinVar variation 1525078 (VCV001525078.6), dbSNP rs2131575984, ClinGen allele CA2573144185.

ClinVar aggregate classification (germline): Uncertain significance (1 of 4 stars; one submission).

Conditions:
Developmental and epileptic encephalopathy, 14 (DEE14). Also called: Early infantile epileptic encephalopathy 14. Identifiers: Orphanet 293181, MedGen C3554195, MONDO:0013989, OMIM 614959.
Autosomal dominant nocturnal frontal lobe epilepsy 5. Also called: KCNT1-Related Epilepsy; Epilepsy, nocturnal frontal lobe, 5; CILIARY DYSKINESIA, PRIMARY, 28, WITHOUT SITUS INVERSUS; CILIARY DYSKINESIA, PRIMARY, 28, WITH SITUS INVERSUS. Identifiers: Orphanet 98784, MedGen C3554306, MONDO:0014002, OMIM 615005.

Submission:

Labcorp Genetics (formerly Invitae), Labcorp
Classification: Uncertain significance for Autosomal dominant nocturnal frontal lobe epilepsy 5; Developmental and epileptic encephalopathy, 14. Last evaluated: 2023-10-16. Review status: criteria provided, single submitter. Criteria: Invitae Variant Classification Sherloc (09022015). Collection method: clinical testing. Allele origin: germline.
Comment: This sequence change falls in intron 27 of the KCNT1 gene. It does not directly change the encoded amino acid sequence of the KCNT1 protein. It affects a nucleotide within the consensus splice site. This variant is not present in population databases (gnomAD no frequency). This variant has not been reported in the literature in individuals affected with KCNT1-related conditions. ClinVar contains an entry for this variant (Variation ID: 1525078). Variants that disrupt the consensus splice site are a relatively common cause of aberrant splicing (PMID: 17576681, 9536098). Algorithms developed to predict the effect of sequence changes on RNA splicing suggest that this variant is not likely to affect RNA splicing. In summary, the available evidence is currently insufficient to determine the role of this variant in disease. Therefore, it has been classified as a Variant of Uncertain Significance.

Literature cited by the submitters: PubMed 17576681; PubMed 9536098.